The following is an entry in ClinVar:

NM_205836.3(FBXO38):c.986C>T (p.Pro329Leu)

Gene: FBXO38 (F-box protein 38; plus strand). Cytogenetic location: 5q32.
Variant type: single nucleotide variant.
Coding change: c.986C>T on transcript NM_205836.3 (MANE Select); coding-DNA position 986, C replaced by T.
Protein change: p.Pro329Leu; replaces proline 329 with leucine.
Molecular consequence: missense variant.
Genome position (GRCh38, 1-based): chr5:148,410,658, C>T. VCF-style: chr5-148410658-C-T. GRCh37 (hg19) VCF-style: chr5-147790221-C-T.
Other names: c.986C>T, p.Pro329Leu (NM_001271723.2, NM_030793.5); short protein forms P329L.
Identifiers: ClinVar variation 4056890 (VCV004056890.1).

ClinVar aggregate classification (germline): Uncertain significance (1 of 4 stars; one submission).

Submission:

GeneDx
Classification: Uncertain significance. Last evaluated: 2025-01-12. Review status: criteria provided, single submitter. Criteria: GeneDx Variant Classification Process June 2021. Collection method: clinical testing. Allele origin: germline. Affected: yes.
Comment: Not observed at significant frequency in large population cohorts (gnomAD); In silico analysis supports that this missense variant has a deleterious effect on protein structure/function; Has not been previously published as pathogenic or benign to our knowledge